The following continues an entry in ClinVar:

NM_000059.4(BRCA2):c.9097dup (p.Thr3033fs)

Gene: BRCA2. ClinVar aggregate classification (germline): Pathogenic. Pathogenic (1).

Submissions 8 to 20 of 52:

Ambry Genetics
Classification: Pathogenic for Hereditary cancer-predisposing syndrome. Last evaluated: 2025-04-28. Review status: criteria provided, single submitter. Criteria: Ambry Variant Classification Scheme 2023. Collection method: clinical testing. Allele origin: germline. Not counted in ClinVar's aggregate classification.
Comment: The c.9097dupA pathogenic mutation, located in coding exon 22 of the BRCA2 gene, results from a duplication of one nucleotide at position 9097, causing a translational frameshift with a predicted alternate stop codon (p.T3033Nfs*11). This variant has been described in multiple breast, ovarian and/or pancreatic cancer families across multiple ethnic groups (Serova-Sinilnikova OM et al. Am. J. Hum. Genet. 1997 May;60:1236-9; Machackova E et al. BMC Cancer. 2008 May;8:140; Kwong A et al. PLoS ONE. 2012 Sep;7:e43994; Konstantopoulou I et al. Clin. Genet. 2014 Jan;85:36-42; Holter S et al. J. Clin. Oncol. 2015 Oct;33:3124-9; Kwong A et al. J. Mol. Diagn. 2016 Jul;18(4):580-94; Meisel C et al. Arch. Gynecol. Obstet. 2017 May;295(5):1227-1238; Zhao Q et al. J. Gynecol. Oncol. 2017 Jul;28(4):e39; Rebbeck TR et al. Hum Mutat. 2018 May;39(5):593-620). This variant, in compound heterozygosity with another BRCA2 mutation, was also detected in a child with clinical features of Fanconi anemia (Kopic S et al. Acta Paediatr. 2011 May;100:780-3). Of note, this alteration is also designated as 9325insA and 9325dupA in published literature. In addition to the clinical data presented in the literature, this alteration is expected to result in loss of function by premature protein truncation or nonsense-mediated mRNA decay. As such, this alteration is interpreted as a disease-causing mutation.

Molecular Pathology, Peter Maccallum Cancer Centre
Classification: Pathogenic for Breast-ovarian cancer, familial, susceptibility to, 2. Last evaluated: 2025-04-16. Review status: criteria provided, single submitter. Criteria: ACMG Guidelines, 2015. Collection method: clinical testing. Allele origin: germline. Inheritance: Autosomal dominant inheritance. Not counted in ClinVar's aggregate classification.

Center for Genomic Medicine, Rigshospitalet, Copenhagen University Hospital
Classification: Pathogenic. Last evaluated: 2025-03-04. Review status: criteria provided, single submitter. Criteria: ACMG Guidelines, 2015. Collection method: clinical testing. Allele origin: germline. Not counted in ClinVar's aggregate classification.

Dasa
Classification: Pathogenic for Breast-ovarian cancer, familial, susceptibility to, 2. Last evaluated: 2025-01-17. Review status: criteria provided, single submitter. Criteria: DASA Assertion Criteria. Collection method: clinical testing. Allele origin: germline. Observed: 1 variant allele. Not counted in ClinVar's aggregate classification.
Comment: NM_000059.4(BRCA2):c.9097dup (p.Thr3033Asnfs11) introduces a frameshift resulting in a premature termination codon. Loss-of-function is an established mechanism of disease for this gene. This variant has been observed more frequently in individuals with related phenotypes and is present at low frequency in population datasets. Based on the available data, this variant is classified as Pathogenic.

All of Us Research Program, National Institutes of Health
Classification: Pathogenic for BRCA2-related cancer predisposition. Last evaluated: 2024-09-24. Review status: criteria provided, single submitter. Criteria: ACMG Guidelines, 2015. Collection method: clinical testing. Allele origin: germline. Inheritance: Autosomal dominant inheritance. Observed: 1 variant allele, 1 heterozygote. Not counted in ClinVar's aggregate classification.
Comment: This variant inserts 1 nucleotide in exon 23 of the BRCA2 gene, creating a frameshift and premature translation stop signal. This variant is also known as 9325insA, 9317insA and c.9090insA in the literature. This variant is expected to result in an absent or non-functional protein product. This variant has been reported in over ten individuals and families affected with breast and ovarian cancer (PMID: 9150172, 18489799, 22798144, 22970155, 24010542, 24916970, 25682074, 28541631, 28692638, 30287823, 33471991; Leiden Open Variation Database DB-ID BRCA2_001002) and additional individuals affected with pancreatic, prostate and biliary tract cancer (PMID: 25940717, 29360550, 31214711). This variant has been described as a recurrent mutation in hereditary breast and ovarian cancer families in the Chinese population (PMID: 22970155). This variant has also been reported in the compound heterozygous state in an individual affected with Fanconi anaemia (PMID: 21138478). This variant has not been identified in the general population by the Genome Aggregation Database (gnomAD). Loss of BRCA2 function is a known mechanism of disease. Based on the available evidence, this variant is classified as Pathogenic.

This study involves interpretation of variants in research participants for the purpose of population health screening. Participant phenotype was not available at the time of variant classification. Additional details can be found in publication PMID: 35346344, PMCID: PMC8962531

Institute of Human Genetics, University of Leipzig Medical Center
Classification: Pathogenic for Breast-ovarian cancer, familial, susceptibility to, 1. Last evaluated: 2024-06-26. Review status: criteria provided, single submitter. Criteria: ACMG Guidelines, 2015. Collection method: clinical testing. Allele origin: unknown. Inheritance: Autosomal dominant inheritance. Affected: yes. Not counted in ClinVar's aggregate classification.
Comment: Criteria applied: PVS1,PM5_STR

GeneDx
Classification: Pathogenic. Last evaluated: 2024-04-10. Review status: criteria provided, single submitter. Criteria: GeneDx Variant Classification Process June 2021. Collection method: clinical testing. Allele origin: germline. Affected: yes. Not counted in ClinVar's aggregate classification.
Comment: Frameshift variant predicted to result in protein truncation or nonsense mediated decay in a gene for which loss-of-function is a known mechanism of disease; Observed in individuals with a personal or family history consistent with pathogenic variants in this gene (PMID: 9150172, 12161607, 22798144, 25940717, 23569316, 29335925, 35264596); Not observed at significant frequency in large population cohorts (gnomAD); Truncating variants in this gene are considered pathogenic by a well-established clinical consortium and/or database; Also known as 9325dupA, 9317insA, or 9089_9090insA; This variant is associated with the following publications: (PMID: 12161607, 26852015, 26843898, 35534704, 32073954, 36555431, 34284872, 36637704, 36243179, 36721989, 34196900, 35864222, 28324225, 27882536, 32772980, 32599251, 32875559, 29922827, 9150172, 22970155, 21138478, 21913181, 23569316, 22798144, 18489799, 23242139, 25940717, 27157322, 27393621, 20383589, 25330149, 29752822, 29907814, 28692638, 28541631, 29335925, 28993434, 29310832, 30720863, 30287823, 30720243, 30702160, 30093976, 31159747, 31396961, 30736435, 31957001, 32072338, 32029870, 31214711, 32846166, 31589614, 31825140, 33558524, 32338768, 30875412, 30613976, 31742824, 32959997, 31360904, 31723001, 35418818, 33804961, 29360550, 31209999, 28724667, 35264596)

Baylor Genetics
Classification: Pathogenic for Familial cancer of breast. Last evaluated: 2024-03-22. Review status: criteria provided, single submitter. Criteria: ACMG Guidelines, 2015. Collection method: clinical testing. Allele origin: unknown. Not counted in ClinVar's aggregate classification.

Clinical Genetics Laboratory, Skane University Hospital Lund
Classification: Pathogenic. Last evaluated: 2024-03-11. Review status: criteria provided, single submitter. Criteria: ACMG Guidelines, 2015. Collection method: clinical testing. Allele origin: germline. Affected: yes. Not counted in ClinVar's aggregate classification.

Color Diagnostics, LLC DBA Color Health
Classification: Pathogenic for Hereditary cancer-predisposing syndrome. Last evaluated: 2024-03-11. Review status: criteria provided, single submitter. Criteria: ACMG Guidelines, 2015. Collection method: clinical testing. Allele origin: germline. Not counted in ClinVar's aggregate classification.
Comment: This variant inserts 1 nucleotide in exon 23 of the BRCA2 gene, creating a frameshift and premature translation stop signal. This variant is also known as 9325insA, 9317insA and c.9090insA in the literature. This variant is expected to result in an absent or non-functional protein product. This variant has been reported in over ten individuals and families affected with breast and ovarian cancer (PMID: 9150172, 18489799, 22798144, 22970155, 24010542, 24916970, 25682074, 28541631, 28692638, 30287823, 33471991; Leiden Open Variation Database DB-ID BRCA2_001002) and additional individuals affected with pancreatic, prostate and biliary tract cancer (PMID: 25940717, 29360550, 31214711). This variant has been described as a recurrent mutation in hereditary breast and ovarian cancer families in the Chinese population (PMID: 22970155). This variant has also been reported in the compound heterozygous state in an individual affected with Fanconi anaemia (PMID: 21138478). This variant has not been identified in the general population by the Genome Aggregation Database (gnomAD). Loss of BRCA2 function is a known mechanism of disease. Based on the available evidence, this variant is classified as Pathogenic.

Blueprint Genetics
Classification: Pathogenic for BRCA2-related disorders. Last evaluated: 2023-12-01. Review status: criteria provided, single submitter. Criteria: ACMG Guidelines, 2015. Collection method: clinical testing. Allele origin: germline. Affected: yes. Observed: 5 variant alleles. Not counted in ClinVar's aggregate classification.

Quest Diagnostics Nichols Institute San Juan Capistrano
Classification: Pathogenic. Last evaluated: 2023-07-26. Review status: criteria provided, single submitter. Criteria: Quest Diagnostics criteria. Collection method: clinical testing. Allele origin: unknown. Not counted in ClinVar's aggregate classification.
Comment: The BRCA2 c.9097dup (p.Thr3033Asnfs*11) variant alters the translational reading frame of the BRCA2 mRNA and causes the premature termination of BRCA2 protein synthesis. This variant has been reported in the published literature in individuals with breast cancer (PMID: 33558524 (2021), 32959997 (2020), 32846166 (2020), 22970155 (2012), ovarian cancer (PMID: 28541631 (2017)), and pancreatic cancer (PMID: 259407172015)). The variant has also been reported in a child with Fanconi Anemia (PMID: 21138478 (2011)). The frequency of this variant in the general population, 0.000012 (3/245952 chromosomes (Genome Aggregation Database)), is consistent with pathogenicity. Based on the available information, this variant is classified as pathogenic.

Revvity Omics, Revvity
Classification: Pathogenic. Last evaluated: 2023-06-19. Review status: criteria provided, single submitter. Criteria: ACMG Guidelines, 2015. Collection method: clinical testing. Allele origin: germline. Not counted in ClinVar's aggregate classification.